The following is an entry in ClinVar:

NM_000268.4(NF2):c.1501A>G (p.Ile501Val)

Gene: NF2 (NF2, moesin-ezrin-radixin like (MERLIN) tumor suppressor; plus strand). Cytogenetic location: 22q12.2.
Variant type: single nucleotide variant.
Coding change: c.1501A>G on transcript NM_000268.4 (MANE Select); coding-DNA position 1501, A replaced by G.
Protein change: p.Ile501Val; replaces isoleucine 501 with valine.
Molecular consequence: missense variant. On other transcripts: non-coding transcript variant (1), intron variant (1).
Genome position (GRCh38, 1-based): chr22:29,678,250, A>G. VCF-style: chr22-29678250-A-G. GRCh37 (hg19) VCF-style: chr22-30074239-A-G.
Other names: c.1501A>G, p.Ile501Val (NM_016418.5, NM_181825.3, NM_181832.3); c.1375A>G, p.Ile459Val (NM_181828.3); c.1378A>G, p.Ile460Val (NM_181829.3); c.1252A>G, p.Ile418Val (NM_181830.3, NM_181831.3); c.448-16502A>G (NM_181833.3); short protein forms I501V, I460V, I418V, I459V.
Identifiers: ClinVar variation 574302 (VCV000574302.12), dbSNP rs1315864916, ClinGen allele CA411149652.

ClinVar aggregate classification (germline): Conflicting classifications of pathogenicity. Review status: criteria provided, conflicting classifications (1 of 4 stars). 2 submissions from 2 submitters: Uncertain significance (1); Likely benign (1). Last evaluated 2025-12-14.

Conditions:
Hereditary cancer-predisposing syndrome. Also called: Tumor predisposition; Neoplastic Syndromes, Hereditary; Hereditary neoplastic syndrome; Hereditary Cancer Syndrome. Identifiers: Orphanet 140162, MedGen C0027672, MeSH D009386, MONDO:0015356.
Neurofibromatosis, type 2 (SWNV). Also called: NF2-Related Schwannomatosis; BILATERAL ACOUSTIC NEUROFIBROMATOSIS; SCHWANNOMATOSIS, VESTIBULAR. Identifiers: Orphanet 637, MedGen C0027832, MONDO:0007039, OMIM 101000. Disease mechanism: loss of function.

Allele frequency attached by ClinVar (database versions not stated): gnomAD exomes below 0.00001.
gnomAD v4.1: 1 of 1,611,952 alleles (0.000062%); highest among the groups gnomAD compares: Admixed American, 0.0017%; no homozygotes.

Submissions (2):

Labcorp Genetics (formerly Invitae), Labcorp
Classification: Uncertain significance for Neurofibromatosis, type 2. Last evaluated: 2025-12-14. Review status: criteria provided, single submitter. Criteria: Invitae Variant Classification Sherloc (09022015). Collection method: clinical testing. Allele origin: germline.
Comment: This sequence change replaces isoleucine, which is neutral and non-polar, with valine, which is neutral and non-polar, at codon 501 of the NF2 protein (p.Ile501Val). This variant is present in population databases (no rsID available, gnomAD 0.003%). This variant has not been reported in the literature in individuals affected with NF2-related conditions. ClinVar contains an entry for this variant (Variation ID: 574302). Invitae Evidence Modeling of protein sequence and biophysical properties (such as structural, functional, and spatial information, amino acid conservation, physicochemical variation, residue mobility, and thermodynamic stability) indicates that this missense variant is not expected to disrupt NF2 protein function with a negative predictive value of 80%. In summary, the available evidence is currently insufficient to determine the role of this variant in disease. Therefore, it has been classified as a Variant of Uncertain Significance.

Ambry Genetics
Classification: Likely benign for Hereditary cancer-predisposing syndrome. Last evaluated: 2024-06-07. Review status: criteria provided, single submitter. Criteria: Ambry Variant Classification Scheme 2023. Collection method: clinical testing. Allele origin: germline.